The following is an entry in ClinVar:

NM_207122.2(EXT2):c.999_1000inv (p.Val334Met)

Gene: EXT2 (exostosin glycosyltransferase 2; plus strand). Cytogenetic location: 11p11.2.
Variant type: Inversion.
Coding change: c.999_1000inv on transcript NM_207122.2 (MANE Select).
Protein change: p.Val334Met; replaces valine 334 with methionine.
Molecular consequence: missense variant.
Genome position: GRCh38 VCF-style: chr11-44126875-TG-CA. GRCh37 (hg19) VCF-style: chr11-44148425-TG-CA.
Other names: c.1098_1099inv, p.Val367Met (NM_000401.3); c.999_1000inv, p.Val334Met (NM_001178083.3, NM_001389628.1, NM_001389630.1); short protein forms V334M, V367M.
Identifiers: ClinVar variation 1417290 (VCV001417290.6), ClinGen allele CA2573146319.

ClinVar aggregate classification (germline): Uncertain significance (1 of 4 stars; one submission).

Conditions:
Exostoses, multiple, type 2 (EXT2). Also called: Hereditary Multiple Osteochondromatosis, Type II; EXOSTOSES, MULTIPLE, TYPE II. Identifiers: Orphanet 321, MedGen C1851413, MONDO:0007586, OMIM 133701.

Submission:

Labcorp Genetics (formerly Invitae), Labcorp
Classification: Uncertain significance for Exostoses, multiple, type 2. Last evaluated: 2024-01-05. Review status: criteria provided, single submitter. Criteria: Invitae Variant Classification Sherloc (09022015). Collection method: clinical testing. Allele origin: germline.
Comment: This sequence change replaces valine, which is neutral and non-polar, with methionine, which is neutral and non-polar, at codon 334 of the EXT2 protein (p.Val334Met). Information on the frequency of this variant in the gnomAD database is not available, as this variant may be reported differently in the database. This variant has not been reported in the literature in individuals affected with EXT2-related conditions. ClinVar contains an entry for this variant (Variation ID: 1417290). Experimental studies and prediction algorithms are not available or were not evaluated, and the functional significance of this variant is currently unknown. In summary, the available evidence is currently insufficient to determine the role of this variant in disease. Therefore, it has been classified as a Variant of Uncertain Significance.